The following is an entry in ClinVar:

ClinVar aggregate classification (germline): Uncertain significance (1 of 4 stars; one submission).

Conditions:
Familial thoracic aortic aneurysm and aortic dissection (TAAD). Also called: Thoracic aortic aneurysms and dissections. Identifiers: Orphanet 91387, MedGen C4707243, MONDO:0019625.

Submission:

Color Diagnostics, LLC DBA Color Health
Classification: Uncertain significance for Familial thoracic aortic aneurysm and aortic dissection. Last evaluated: 2024-01-17. Review status: criteria provided, single submitter. Criteria: ACMG Guidelines, 2015. Collection method: clinical testing. Allele origin: germline.
Comment: This missense variant replaces valine with leucine at codon 130 of the SMAD3 protein. Computational prediction is inconclusive regarding the impact of this variant on protein structure and function (internally defined REVEL score threshold 0.5 < inconclusive < 0.7, PMID: 27666373). To our knowledge, functional studies have not been reported for this variant. This variant has not been reported in individuals affected with SMAD3-related disorders in the literature. This variant has not been identified in the general population by the Genome Aggregation Database (gnomAD). The available evidence is insufficient to determine the role of this variant in disease conclusively. Therefore, this variant is classified as a Variant of Uncertain Significance.

NM_005902.4(SMAD3):c.388G>T (p.Val130Leu)

Gene: SMAD3 (SMAD family member 3; plus strand). Cytogenetic location: 15q22.33.
Variant type: single nucleotide variant.
Coding change: c.388G>T on transcript NM_005902.4 (MANE Select); coding-DNA position 388, G replaced by T.
Protein change: p.Val130Leu; replaces valine 130 with leucine.
Molecular consequence: missense variant.
Genome position (GRCh38, 1-based): chr15:67,165,076, G>T. VCF-style: chr15-67165076-G-T. GRCh37 (hg19) VCF-style: chr15-67457414-G-T.
Other names: c.73G>T, p.Val25Leu (NM_001145102.2, NM_001407015.1, NM_001407016.1); c.256G>T, p.Val86Leu (NM_001145103.2); c.388G>T, p.Val130Leu (NM_001407011.1, NM_001407012.1, NM_001407013.1); c.241G>T, p.Val81Leu (NM_001407014.1); short protein forms V130L, V25L, V81L, V86L.
Identifiers: ClinVar variation 3894436 (VCV003894436.1).